The following is an entry in ClinVar:

ClinVar aggregate classification (germline): Uncertain significance. Review status: criteria provided, multiple submitters, no conflicts (2 of 4 stars). 4 submissions from 4 submitters: Uncertain significance (4). Last evaluated 2025-08-03.

Conditions:
Cardiovascular phenotype. Identifiers: MedGen CN230736.
Sick sinus syndrome 3, susceptibility to (SSS3). Identifiers: Orphanet 166282, MedGen C3279791, MONDO:0013568, OMIM 614090.
Atrial septal defect 3 (ASD3). Identifiers: Orphanet 1478, MedGen C3279790, MONDO:0013567, OMIM 614089.
Dilated cardiomyopathy 1EE (CMD1EE). Identifiers: Orphanet 154, MedGen C2750466, MONDO:0013198, OMIM 613252.
Hypertrophic cardiomyopathy 14. Identifiers: MedGen C2750467, MONDO:0013197, OMIM 613251.

Allele frequency attached by ClinVar (database versions not stated): gnomAD exomes 0.00001 and 0.00002; ExAC 0.00002; TOPMed 0.00005; gnomAD 0.00006; ESP Exome Variant Server 0.00015.
gnomAD v4.1: 23 of 1,596,610 alleles (0.0014%); highest among the groups gnomAD compares: Middle Eastern, 0.019%; no homozygotes.

Submissions (4):

Labcorp Genetics (formerly Invitae), Labcorp
Classification: Uncertain significance for Hypertrophic cardiomyopathy 14. Last evaluated: 2025-08-03. Review status: criteria provided, single submitter. Criteria: Invitae Variant Classification Sherloc (09022015). Collection method: clinical testing. Allele origin: germline.
Comment: This sequence change replaces glutamic acid, which is acidic and polar, with lysine, which is basic and polar, at codon 1886 of the MYH6 protein (p.Glu1886Lys). This variant is present in population databases (rs138864419, gnomAD 0.02%). This variant has not been reported in the literature in individuals affected with MYH6-related conditions. ClinVar contains an entry for this variant (Variation ID: 642093). Invitae Evidence Modeling of protein sequence and biophysical properties (such as structural, functional, and spatial information, amino acid conservation, physicochemical variation, residue mobility, and thermodynamic stability) indicates that this missense variant is expected to disrupt MYH6 protein function with a positive predictive value of 80%. Experimental studies have shown that this missense change affects MYH6 function (PMID: 19336582). In summary, the available evidence is currently insufficient to determine the role of this variant in disease. Therefore, it has been classified as a Variant of Uncertain Significance.

Ambry Genetics
Classification: Uncertain significance for Cardiovascular phenotype. Last evaluated: 2025-04-06. Review status: criteria provided, single submitter. Criteria: Ambry Variant Classification Scheme 2023. Collection method: clinical testing. Allele origin: germline.

Fulgent Genetics
Classification: Uncertain significance for Hypertrophic cardiomyopathy 14; Dilated cardiomyopathy 1EE; Atrial septal defect 3; Sick sinus syndrome 3, susceptibility to. Last evaluated: 2024-04-11. Review status: criteria provided, single submitter. Criteria: ACMG Guidelines, 2015. Collection method: clinical testing. Allele origin: germline.

Mayo Clinic Laboratories, Mayo Clinic
Classification: Uncertain significance. Last evaluated: 2022-06-30. Review status: criteria provided, single submitter. Criteria: ACMG Guidelines, 2015. Collection method: clinical testing. Allele origin: germline. Observed: 1 variant allele.
Comment: PP3

Literature cited by the submitters: PubMed 19336582 (cited by Labcorp Genetics (formerly Invitae), Labcorp).

NM_002471.4(MYH6):c.5656G>A (p.Glu1886Lys)

Gene: MYH6 (myosin heavy chain 6; minus strand). Cytogenetic location: 14q11.2.
Variant type: single nucleotide variant.
Coding change: c.5656G>A on transcript NM_002471.4 (MANE Select); coding-DNA position 5656, G replaced by A.
Protein change: p.Glu1886Lys; replaces glutamic acid 1886 with lysine.
Molecular consequence: missense variant.
Genome position (GRCh38, 1-based): chr14:23,383,230, C>T on the plus strand (G>A on the coding strand, the complement: MYH6 is on the minus strand). VCF-style: chr14-23383230-C-T. GRCh37 (hg19) VCF-style: chr14-23852439-C-T.
Other names: p.Glu1886Lys; short protein forms E1886K.
Identifiers: ClinVar variation 642093 (VCV000642093.14), dbSNP rs138864419, ClinGen allele CA7114324.